The following is an entry in ClinVar:

NM_000059.4(BRCA2):c.2885dup (p.His962fs)

Gene: BRCA2 (BRCA2 DNA repair associated; plus strand). Cytogenetic location: 13q13.1.
Variant type: Duplication.
Coding change: c.2885dup on transcript NM_000059.4 (MANE Select); coding-DNA position 2885, one base duplicated (A; older notation c.2885dupA).
Protein change: p.His962fs; shifts the reading frame from histidine 962.
Molecular consequence: frameshift variant.
Genome position (GRCh38, 1-based): chr13:32,337,240, A duplicated. VCF-style (leftmost placement, unchanged base first): chr13-32337239-C-CA. GRCh37 (hg19) VCF-style: chr13-32911376-C-CA.
Other names: c.2885dup (NM_000059.3); short protein forms H962fs.
Identifiers: ClinVar variation 1069763 (VCV001069763.10), dbSNP rs2137490902, ClinGen allele CA2499222120.

ClinVar aggregate classification (germline): Pathogenic/Likely pathogenic. Review status: criteria provided, multiple submitters, no conflicts (2 of 4 stars). 2 submissions from 2 submitters: Pathogenic (1); Likely pathogenic (1). Last evaluated 2024-02-15.

Conditions:
Hereditary breast ovarian cancer syndrome. Also called: Breast and ovarian cancer; BRCA1- and BRCA2-Associated Hereditary Breast and Ovarian Cancer; Hereditary breast and ovarian cancer syndrome; Hereditary breast and/or ovarian cancer syndrome; Hereditary breast and ovarian cancer; Hereditary breast and ovarian cancer syndrome (HBOC). Identifiers: Orphanet 145, MedGen C0677776, MeSH D061325, MONDO:0003582. Disease mechanism: loss of function.

Submissions (2):

Quest Diagnostics Nichols Institute San Juan Capistrano
Classification: Likely pathogenic. Last evaluated: 2024-02-15. Review status: criteria provided, single submitter. Criteria: Quest Diagnostics criteria. Collection method: clinical testing. Allele origin: unknown.
Comment: The BRCA2 c.2885dup (p.His962Glnfs*20) variant alters the translational reading frame of the BRCA2 mRNA and is predicted to cause the premature termination of BRCA2 protein synthesis. This variant has not been reported in individuals with BRCA2-related conditions in the published literature. This variant has not been reported in large, multi-ethnic general populations (Genome Aggregation Database). Based on the available information, this variant is classified as likely pathogenic.

Labcorp Genetics (formerly Invitae), Labcorp
Classification: Pathogenic for Hereditary breast ovarian cancer syndrome. Last evaluated: 2020-06-01. Review status: criteria provided, single submitter. Criteria: Invitae Variant Classification Sherloc (09022015). Collection method: clinical testing. Allele origin: germline.
Comment: For these reasons, this variant has been classified as Pathogenic. Loss-of-function variants in BRCA2 are known to be pathogenic (PMID: 20104584). This variant has not been reported in the literature in individuals with BRCA2-related conditions. This variant is not present in population databases (ExAC no frequency). This sequence change creates a premature translational stop signal (p.His962Glnfs*20) in the BRCA2 gene. It is expected to result in an absent or disrupted protein product.

Literature cited by the submitters: PubMed 20104584 (cited by Labcorp Genetics (formerly Invitae), Labcorp).